The following is an entry in ClinVar:

NM_001354604.2(MITF):c.1213T>C (p.Ser405Pro)

Gene: MITF (melanocyte inducing transcription factor; plus strand). Cytogenetic location: 3p13.
Variant type: single nucleotide variant.
Coding change: c.1213T>C on transcript NM_001354604.2 (MANE Select); coding-DNA position 1213, T replaced by C.
Protein change: p.Ser405Pro; replaces serine 405 with proline.
Molecular consequence: missense variant.
Genome position (GRCh38, 1-based): chr3:69,964,880, T>C. VCF-style: chr3-69964880-T-C. GRCh37 (hg19) VCF-style: chr3-70014031-T-C.
Other names: c.892T>C, p.Ser298Pro (NM_000248.4); c.1039T>C, p.Ser347Pro (NM_001184967.2, NM_001354608.2); c.1210T>C, p.Ser404Pro (NM_001354605.2); c.1192T>C, p.Ser398Pro (NM_001354606.2, NM_006722.3); c.1144T>C, p.Ser382Pro (NM_001354607.2); c.874T>C, p.Ser292Pro (NM_198158.3); c.1195T>C, p.Ser399Pro (NM_198159.3); c.1147T>C, p.Ser383Pro (NM_198177.3); and 1 more; short protein forms S298P, S399P, S398P, S292P, S347P, S382P, S383P, S404P.
Identifiers: ClinVar variation 14277 (VCV000014277.17), dbSNP rs104893747, ClinGen allele CA123838.

ClinVar aggregate classification (germline): Uncertain significance. Review status: criteria provided, multiple submitters, no conflicts (2 of 4 stars). 7 submissions from 7 submitters: Uncertain significance (5). 2 of the submissions do not count toward it. Last evaluated 2026-01-27.

Conditions:
MITF-related disorder. Also called: MITF-related condition.
Waardenburg syndrome type 2A (WS2A). Also called: WAARDENBURG SYNDROME WITHOUT DYSTOPIA CANTHORUM. Identifiers: Orphanet 3440, MedGen C1860339, MONDO:0008671, OMIM 193510.
Tietz syndrome (TADS). Also called: TIETZ ALBINISM-DEAFNESS SYNDROME; HYPOPIGMENTATION/DEAFNESS OF TIETZ; ALBINISM-DEAFNESS OF TIETZ. Identifiers: Orphanet 42665, MedGen C0391816, MONDO:0007077, OMIM 103500.
Melanoma, cutaneous malignant, susceptibility to, 8. Also called: MELANOMA AND RENAL CELL CARCINOMA, SUSCEPTIBILITY TO; Cutaneous malignant melanoma 8. Identifiers: Orphanet 293822, MedGen C3152204, MONDO:0013759, OMIM 614456.

Allele frequency attached by ClinVar (database versions not stated): gnomAD exomes 0.00002 and 0.00021; ExAC 0.00004; gnomAD 0.00004; TOPMed 0.00005.
gnomAD v4.1: 299 of 1,614,020 alleles (0.019%); highest among the groups gnomAD compares: Non-Finnish European, 0.025%; 1 homozygote.

Submissions (7):

Labcorp Genetics (formerly Invitae), Labcorp
Classification: Uncertain significance for Melanoma, cutaneous malignant, susceptibility to, 8; Waardenburg syndrome type 2A; Tietz syndrome. Last evaluated: 2026-01-27. Review status: criteria provided, single submitter. Criteria: Invitae Variant Classification Sherloc (09022015). Collection method: clinical testing. Allele origin: germline.
Comment: This sequence change replaces serine, which is neutral and polar, with proline, which is neutral and non-polar, at codon 298 of the MITF protein (p.Ser298Pro). This variant is present in population databases (rs104893747, gnomAD 0.007%). This missense change has been observed in individual(s) with cutaneous melanoma and/or Waardenburg syndrome, type 2 (PMID: 8589691, 29115496, 29625052, 36451132). ClinVar contains an entry for this variant (Variation ID: 14277). Invitae Evidence Modeling of protein sequence and biophysical properties (such as structural, functional, and spatial information, amino acid conservation, physicochemical variation, residue mobility, and thermodynamic stability) indicates that this missense variant is not expected to disrupt MITF protein function with a negative predictive value of 80%. Experimental studies are conflicting or provide insufficient evidence to determine the effect of this variant on MITF function (PMID: 10587587, 23787126). In summary, the available evidence is currently insufficient to determine the role of this variant in disease. Therefore, it has been classified as a Variant of Uncertain Significance.

GeneDx
Classification: Uncertain significance. Last evaluated: 2024-06-05. Review status: criteria provided, single submitter. Criteria: GeneDx Variant Classification Process June 2021. Collection method: clinical testing. Allele origin: germline. Affected: yes.
Comment: Published functional studies demonstrate conflicting results with respect to effect on DNA binding and phosphorylation abilities (PMID: 10587587, 23787126); Observed in individuals with melanoma or other cancers (PMID: 29625052); In silico analysis indicates that this missense variant does not alter protein structure/function; This variant is associated with the following publications: (PMID: 28690485, 10587587, 10952390, 11764295, 23787126, 23098757, 29115496, 31589614, 36451132, 29625052, 8589691)

St. Jude Molecular Pathology, St. Jude Children's Research Hospital
Classification: Uncertain significance for Melanoma, cutaneous malignant, susceptibility to, 8. Last evaluated: 2024-01-21. Review status: criteria provided, single submitter. Criteria: St. Jude Assertion Criteria 2020. Collection method: clinical testing. Allele origin: germline.
Comment: The MITF c.1195T>C (p.Ser399Pro) missense change has a maximum subpopulation frequency of 0.0054% in gnomAD v2.1.1. The variant is also known as NM_000248.4:c.892T>C;p.Ser298Pro. The in silico tool REVEL predicts a benign effect on protein function. Functional studies have yielded conflicting results regarding the DNA-binding and/or transactivation ability of the protein (PMID: 10587587, 23787126). This variant has been reported in individuals with Waardenburg syndrome, skin cutaneous melanoma and head and neck squamous cell carcinoma (PMID: 10587587, 8589691, 29625052). In summary, the evidence currently available is insufficient to determine the clinical significance of this variant. It has therefore been classified as of uncertain significance.

Women's Health and Genetics/Laboratory Corporation of America, LabCorp
Classification: Uncertain significance. Last evaluated: 2022-08-25. Review status: criteria provided, single submitter. Criteria: LabCorp Variant Classification Summary - May 2015. Collection method: clinical testing. Allele origin: germline.
Comment: Variant summary: MITF c.892T>C (p.Ser298Pro) results in a non-conservative amino acid change in the encoded protein sequence. Three of five in-silico tools predict a benign effect of the variant on protein function. The variant allele was found at a frequency of 2.4e-05 in 251382 control chromosomes (gnomAD). c.892T>C has been reported in the literature as a heterozygous genotype in at least one affected individual from a family with a multi-generational history of Waardenburg Syndrome 2 (e.g. Tassabehji_1995) and has also been reported as a VUS in individuals with melanoma and head and neck squamous cell carcinoma (e.g. Huang_2018). These data do not allow any conclusion about variant significance. At least two publications report experimental evidence evaluating an impact on protein function, however with conflicting results. While the variant has been reported to impair DNA-binding and transactivational activity in one study (Takeda_2000), a different study found the variant protein had no effect on DNA-binding and resulted in mildly increased transcriptional activity at some promoters (Grill_2013). One clinical diagnostic laboratory has submitted a clinical-significance assessments for this variant to ClinVar after 2014 and classified the variant as uncertain significance. Based on the evidence outlined above, the variant was classified as uncertain significance.

Blueprint Genetics
Classification: Uncertain significance. Last evaluated: 2022-04-05. Review status: criteria provided, single submitter. Criteria: ACMG Guidelines, 2015. Collection method: clinical testing. Allele origin: germline.

PreventionGenetics, part of Exact Sciences
Classification: Uncertain significance for MITF-related condition. Last evaluated: 2024-02-23. Review status: no assertion criteria provided. Collection method: clinical testing. Allele origin: germline. Not counted in ClinVar's aggregate classification.
Comment: The MITF c.892T>C variant is predicted to result in the amino acid substitution p.Ser298Pro. This variant has been reported to segregate with Type 2 Waardenburg syndrome in a multigenerational pedigree (Tassabehji et al. 1995. PubMed ID: 8589691). It has also been reported in an individual with head and neck squamous cell carcinoma and an individual with cutaneous melanoma (Huang et al. 2018. PubMed ID: 29625052, Table S2B, Chr3:g.70014031T>C). In vitro experimental studies provide conflicting results of this variants impact on protein function (Takeda et al. 2000. PubMed ID: 10587587; Grill et al. 2013. PubMed ID: 23787126). It is reported in 0.0054% of alleles in individuals of European (Non-Finnish) descent in gnomAD and is interpreted as uncertain significance in ClinVar. At this time, the clinical significance of this variant is uncertain due to the absence of conclusive functional and genetic evidence.

OMIM
Classification: Pathogenic for WAARDENBURG SYNDROME, TYPE 2A. Last evaluated: 2000-01-01. Review status: no assertion criteria provided. Collection method: literature only. Allele origin: germline. Not counted in ClinVar's aggregate classification.

Literature cited by the submitters: PubMed 8589691 (cited by 3 submitters); PubMed 29115496 (cited by Labcorp Genetics (formerly Invitae), Labcorp); PubMed 29625052 (cited by Labcorp Genetics (formerly Invitae), Labcorp and Women's Health and Genetics/Laboratory Corporation of America, LabCorp); PubMed 36451132 (cited by Labcorp Genetics (formerly Invitae), Labcorp); PubMed 10587587 (cited by 3 submitters); PubMed 23787126 (cited by Labcorp Genetics (formerly Invitae), Labcorp and Women's Health and Genetics/Laboratory Corporation of America, LabCorp).